The following is an entry in ClinVar:

NM_001142966.3(GREB1L):c.4688A>G (p.Asn1563Ser)

Gene: GREB1L (GREB1 like retinoic acid receptor coactivator; plus strand). Cytogenetic location: 18q11.2.
Variant type: single nucleotide variant.
Coding change: c.4688A>G on transcript NM_001142966.3 (MANE Select); coding-DNA position 4688, A replaced by G.
Protein change: p.Asn1563Ser; replaces asparagine 1563 with serine.
Molecular consequence: missense variant.
Genome position (GRCh38, 1-based): chr18:21,508,544, A>G. VCF-style: chr18-21508544-A-G. GRCh37 (hg19) VCF-style: chr18-19088505-A-G.
Other names: c.4817A>G, p.Asn1606Ser (NM_001410867.1); c.4361A>G, p.Asn1454Ser (NM_001410868.1); short protein forms N1563S, N1454S, N1606S.
Identifiers: ClinVar variation 4702628 (VCV004702628.1).

ClinVar aggregate classification (germline): Uncertain significance (1 of 4 stars; one submission).

gnomAD v4.1: 19 of 1,551,688 alleles (0.0012%); highest among the groups gnomAD compares: Non-Finnish European, 0.0016%; no homozygotes.

Submission:

Labcorp Genetics (formerly Invitae), Labcorp
Classification: Uncertain significance. Last evaluated: 2025-05-19. Review status: criteria provided, single submitter. Criteria: Invitae Variant Classification Sherloc (09022015). Collection method: clinical testing. Allele origin: germline.
Comment: This sequence change replaces asparagine, which is neutral and polar, with serine, which is neutral and polar, at codon 1563 of the GREB1L protein (p.Asn1563Ser). This variant is not present in population databases (gnomAD no frequency). This variant has not been reported in the literature in individuals affected with GREB1L-related conditions. An algorithm developed to predict the effect of missense changes on protein structure and function (PolyPhen-2) suggests that this variant is likely to be disruptive. In summary, the available evidence is currently insufficient to determine the role of this variant in disease. Therefore, it has been classified as a Variant of Uncertain Significance.